The following is an entry in ClinVar:

NM_032383.5(HPS3):c.885-3C>T

Gene: HPS3 (HPS3 biogenesis of lysosomal organelles complex 2 subunit 1; plus strand). Cytogenetic location: 3q24.
Variant type: single nucleotide variant.
Coding change: c.885-3C>T on transcript NM_032383.5 (MANE Select); 3 bases into the intron before coding-DNA position 885, C replaced by T.
Molecular consequence: intron variant.
Genome position (GRCh38, 1-based): chr3:149,141,292, C>T. VCF-style: chr3-149141292-C-T. GRCh37 (hg19) VCF-style: chr3-148859079-C-T.
Other names: c.390-3C>T (NM_001308258.2).
Identifiers: ClinVar variation 1928124 (VCV001928124.2), dbSNP rs2473073369, ClinGen allele CA2577931963.

ClinVar aggregate classification (germline): Uncertain significance (1 of 4 stars; one submission).

gnomAD v4.1: 10 of 1,612,858 alleles (0.00062%); highest among the groups gnomAD compares: Non-Finnish European, 0.00085%; no homozygotes.

Submission:

Labcorp Genetics (formerly Invitae), Labcorp
Classification: Uncertain significance. Last evaluated: 2021-02-04. Review status: criteria provided, single submitter. Criteria: Invitae Variant Classification Sherloc (09022015). Collection method: clinical testing. Allele origin: germline.
Comment: This sequence change falls in intron 3 of the HPS3 gene. It does not directly change the encoded amino acid sequence of the HPS3 protein. It affects a nucleotide within the consensus splice site of the intron. This variant is not present in population databases (ExAC no frequency). This variant has not been reported in the literature in individuals with HPS3-related conditions. Nucleotide substitutions within the consensus splice site are a relatively common cause of aberrant splicing (PMID: 17576681, 9536098). Algorithms developed to predict the effect of sequence changes on RNA splicing suggest that this variant is not likely to affect RNA splicing, but this prediction has not been confirmed by published transcriptional studies. In summary, the available evidence is currently insufficient to determine the role of this variant in disease. Therefore, it has been classified as a Variant of Uncertain Significance.

Literature cited by the submitters: PubMed 17576681; PubMed 9536098.